The following is an entry in ClinVar:

ClinVar aggregate classification (germline): Pathogenic (1 of 4 stars; one submission).

Conditions:
Multiple congenital exostosis (EXT). Also called: Multiple exostoses; Hereditary multiple exostoses; Hereditary multiple exostosis; MULTIPLE CARTILAGINOUS EXOSTOSES; Hereditary multiple osteochondromas; Multiple osteochondromas. Identifiers: Orphanet 321, MedGen C0015306, MONDO:0005508, HP:0002762.

Submission:

Labcorp Genetics (formerly Invitae), Labcorp
Classification: Pathogenic for Multiple congenital exostosis. Last evaluated: 2017-12-16. Review status: criteria provided, single submitter. Criteria: Invitae Variant Classification Sherloc (09022015). Collection method: clinical testing. Allele origin: germline.
Comment: For these reasons, this variant has been classified as Pathogenic. This variant is not present in population databases (ExAC no frequency). Donor and acceptor splice site variants typically lead to a loss of protein function (PMID: 16199547), and loss-of-function variants in EXT1 are known to be pathogenic (PMID: 10679937, 11391482, 19810120). A different variant affecting this nucleotide (c.1417+2T>G) has been reported to segregate with multiple osteochondromas in a family and determined to be pathogenic (PMID: 18373409). This suggests that this nucleotide is important for normal RNA splicing, and that other variants at this position may also be pathogenic. Algorithms developed to predict the effect of sequence changes on RNA splicing suggest that this variant may disrupt the consensus splice site, but this prediction has not been confirmed by published transcriptional studies. This variant has not been reported in the literature in individuals with a EXT1-related disease. This sequence change affects a donor splice site in intron 5 of the EXT1 gene. It is expected to disrupt RNA splicing and likely results in an absent or disrupted protein product.

Literature cited by the submitters: PubMed 16199547; PubMed 10679937; PubMed 11391482; PubMed 19810120; PubMed 18373409.

NM_000127.3(EXT1):c.1417+2T>A

Gene: EXT1 (exostosin glycosyltransferase 1; minus strand). Cytogenetic location: 8q24.11.
Variant type: single nucleotide variant.
Coding change: c.1417+2T>A on transcript NM_000127.3 (MANE Select); the canonical splice donor site of the intron after coding-DNA position 1417, T replaced by A.
Molecular consequence: splice donor variant.
Genome position (GRCh38, 1-based): chr8:117,822,463, A>T on the plus strand (T>A on the coding strand, the complement: EXT1 is on the minus strand). VCF-style: chr8-117822463-A-T. GRCh37 (hg19) VCF-style: chr8-118834702-A-T.
Identifiers: ClinVar variation 526300 (VCV000526300.9), dbSNP rs1554578992, ClinGen allele CA371887007.